The following is an entry in ClinVar:

ClinVar aggregate classification (germline): Conflicting classifications of pathogenicity. Review status: criteria provided, conflicting classifications (1 of 4 stars). 2 submissions from 2 submitters: Uncertain significance (1); Likely benign (1). Last evaluated 2023-06-04.

Conditions:
Myofibrillar myopathy 5. Also called: Filaminopathy (type); FILAMINOPATHY, AUTOSOMAL DOMINANT. Identifiers: Orphanet 171445, MedGen C1836050, MONDO:0012289, OMIM 609524.
Distal myopathy with posterior leg and anterior hand involvement. Also called: WILLIAMS DISTAL MYOPATHY. Identifiers: Orphanet 63273, MedGen C3279722, MONDO:0013550, OMIM 614065.
Hypertrophic cardiomyopathy 26. Also called: Cardiomyopathy, familial hypertrophic, 26. Identifiers: Orphanet 75249, MedGen C4310749, MONDO:0014883, OMIM 617047.

Submissions (2):

Labcorp Genetics (formerly Invitae), Labcorp
Classification: Likely benign for Distal myopathy with posterior leg and anterior hand involvement; Myofibrillar myopathy 5; Hypertrophic cardiomyopathy 26. Last evaluated: 2023-06-04. Review status: criteria provided, single submitter. Criteria: Invitae Variant Classification Sherloc (09022015). Collection method: clinical testing. Allele origin: germline.

Victorian Clinical Genetics Services, Murdoch Childrens Research Institute
Classification: Uncertain significance for Hypertrophic cardiomyopathy 26. Last evaluated: 2020-05-21. Review status: criteria provided, single submitter. Criteria: ACMG Guidelines, 2015. Collection method: clinical testing. Allele origin: germline. Inheritance: Autosomal dominant inheritance. Affected: yes.
Comment: A heterozygous splice site variant was identified, NM_001458.4(FLNC):c.6208+8C>G in intron 37 of 47 of the FLNC gene. This substitution may cause aberrant splicing in the FLNC gene, affecting protein function; further testing via RNA studies are required to confirm if splicing is altered. The nucleotide at this position has moderate conservation (PhyloP UCSC). In silico software does not predict an effect on splicing (NetGene2, Fruit fly, Human Splicing Finder). The variant is not present in the gnomAD population database, and has not been previously observed in clinical cases. An alternative nucleotide change at the same location has been reported in the gnomAD database at a frequency of 0.002%. Based on information available at the time of curation, this variant has been classified as a VUS with LOW CLINICAL RELEVANCE.

NM_001458.5(FLNC):c.6208+8C>G

Genes: FLNC (filamin C; plus strand), FLNC-AS1 (FLNC antisense RNA 1; minus strand). Cytogenetic location: 7q32.1.
Variant type: single nucleotide variant.
Coding change: c.6208+8C>G on transcript NM_001458.5 (MANE Select); 8 bases into the intron after coding-DNA position 6208, C replaced by G.
Molecular consequence: intron variant.
Genome position (GRCh38, 1-based): chr7:128,853,039, C>G. VCF-style: chr7-128853039-C-G. GRCh37 (hg19) VCF-style: chr7-128493093-C-G.
Other names: c.6109+8C>G (NM_001127487.2).
Identifiers: ClinVar variation 1805550 (VCV001805550.4), dbSNP rs745328476, ClinGen allele CA923726151.
Genomic context (GRCh38, chr7:128,853,039, plus strand): 5'-CGAGGGACACACATTCCAGGTGGCAGAGTTCATCGTGGACACTCGCAATGCAGGTACCTC[C>G]TGCCCCAGAGAGCCCCCATTCCAGCGGGTGCCTCCCACAGGCACTTGTCCTCGTCCTGCC-3'